The following is an entry in ClinVar:

NM_000179.3(MSH6):c.3184T>C (p.Cys1062Arg)

Gene: MSH6 (mutS homolog 6; plus strand). Cytogenetic location: 2p16.3.
Variant type: single nucleotide variant.
Coding change: c.3184T>C on transcript NM_000179.3 (MANE Select); coding-DNA position 3184, T replaced by C.
Protein change: p.Cys1062Arg; replaces cysteine 1062 with arginine.
Molecular consequence: missense variant. On other transcripts: 5 prime UTR variant (1), non-coding transcript variant (5), intron variant (1).
Genome position (GRCh38, 1-based): chr2:47,803,431, T>C. VCF-style: chr2-47803431-T-C. GRCh37 (hg19) VCF-style: chr2-48030570-T-C.
Other names: c.2794T>C, p.Cys932Arg (NM_001281492.2); c.3190T>C, p.Cys1064Arg (NM_001406813.1); c.2278T>C, p.Cys760Arg (NM_001406814.1, NM_001406815.1, NM_001406816.1 and 6 more transcripts); c.1618T>C, p.Cys540Arg (NM_001406817.1); c.2887T>C, p.Cys963Arg (NM_001406818.1, NM_001406819.1, NM_001406820.1 and 10 more transcripts); c.3016T>C, p.Cys1006Arg (NM_001406826.1); c.-36T>C (NM_001406831.1); c.3280T>C, p.Cys1094Arg (NM_001406795.1, NM_001406802.1); and 7 more; short protein forms C1036R, C1064R, C11R, C760R, C963R, C1006R, C1094R, C540R.
Identifiers: ClinVar variation 3011278 (VCV003011278.3), dbSNP rs2104471791, ClinGen allele CA346757834.
Genomic context (GRCh38, chr2:47,803,431, plus strand): 5'-ATAAAACCCCCAAACGATGAAGCCTCACTTTTACCCTCTCTTTTAACAGATGTTTTACTG[T>C]GCCTGGCTAACTATAGTCGAGGGGGTGATGGTCCTATGTGTCGCCCAGTAATTCTGTTGC-3'
Protein context (NP_000170.1, residues 1052-1072): ECIAVLDVLL[Cys1062Arg]LANYSRGGDG

ClinVar aggregate classification (germline): Uncertain significance (1 of 4 stars; one submission).

Conditions:
Hereditary nonpolyposis colorectal neoplasms. Identifiers: MedGen C0009405, MeSH D003123.

Allele frequency attached by ClinVar (database versions not stated): gnomAD exomes below 0.00001.
gnomAD v4.1: 1 of 1,614,206 alleles (0.000062%); highest among the groups gnomAD compares: Non-Finnish European, 0.000085%; no homozygotes.

Submission:

Labcorp Genetics (formerly Invitae), Labcorp
Classification: Uncertain significance for Hereditary nonpolyposis colorectal neoplasms. Last evaluated: 2023-07-18. Review status: criteria provided, single submitter. Criteria: Invitae Variant Classification Sherloc (09022015). Collection method: clinical testing. Allele origin: germline.
Comment: This sequence change replaces cysteine, which is neutral and slightly polar, with arginine, which is basic and polar, at codon 1062 of the MSH6 protein (p.Cys1062Arg). This variant is not present in population databases (gnomAD no frequency). This variant has not been reported in the literature in individuals affected with MSH6-related conditions. Advanced modeling of protein sequence and biophysical properties (such as structural, functional, and spatial information, amino acid conservation, physicochemical variation, residue mobility, and thermodynamic stability) performed at Invitae indicates that this missense variant is not expected to disrupt MSH6 protein function. In summary, the available evidence is currently insufficient to determine the role of this variant in disease. Therefore, it has been classified as a Variant of Uncertain Significance.